The following is an entry in ClinVar:

NM_001009944.3(PKD1):c.8757del (p.Leu2920fs)

Gene: PKD1 (polycystin 1, transient receptor potential channel interacting; minus strand). Cytogenetic location: 16p13.3.
Variant type: Deletion.
Coding change: c.8757del on transcript NM_001009944.3 (MANE Select); coding-DNA position 8757, one base deleted (G; older notation c.8757delG).
Protein change: p.Leu2920fs; shifts the reading frame from leucine 2920.
Molecular consequence: frameshift variant.
Genome position (GRCh38, 1-based): chr16:2,103,300, C deleted on the plus strand (G on the coding strand, the reverse complement: PKD1 is on the minus strand); the first of 3 consecutive C bases (chr16:2,103,300-2,103,302); deleting any one gives the same sequence. VCF-style (leftmost placement, unchanged base first): chr16-2103299-GC-G. GRCh37 (hg19) VCF-style: chr16-2153300-GC-G.
Other names: c.8757del, p.Leu2920fs (NM_000296.4); short protein forms L2920fs.
Identifiers: ClinVar variation 3236132 (VCV003236132.1), dbSNP rs2544741352, ClinGen allele CA2825002366.

ClinVar aggregate classification (germline): Likely pathogenic (1 of 4 stars; one submission).

Conditions:
Polycystic kidney disease, adult type (PKD1). Also called: Polycystic Kidney Disease 1, Autosomal Dominant; Polycystic kidney disease 1; Polycystic kidney disease 1, severe; Polycystic Kidney, Autosomal Dominant; POLYCYSTIC KIDNEY DISEASE 1 WITH OR WITHOUT POLYCYSTIC LIVER DISEASE; POLYCYSTIC KIDNEY DISEASE, ADULT, TYPE I. Identifiers: MedGen C3149841, MONDO:0008263, OMIM 173900.

Submission:

MVZ Medizinische Genetik Mainz
Classification: Likely pathogenic for Polycystic kidney disease, adult type. Last evaluated: 2023-02-15. Review status: criteria provided, single submitter. Criteria: UK Practice Guidelines For Variant Classification V4 01 2020. Collection method: clinical testing. Allele origin: germline. Inheritance: Autosomal dominant inheritance. Affected: yes. Observed: 1 variant allele.
Comment: ACMG Criteria: PVS1, PM2_SUP (ACMG Version 4)